The following is an entry in ClinVar:

ClinVar aggregate classification (germline): Likely pathogenic (1 of 4 stars; one submission).

Conditions:
ROBO3-related disorder. Also called: ROBO3-related condition.

Submission:

PreventionGenetics, part of Exact Sciences
Classification: Likely pathogenic for ROBO3-related condition. Last evaluated: 2023-09-19. Review status: criteria provided, single submitter. Criteria: ACMG Guidelines, 2015. Collection method: clinical testing. Allele origin: germline.
Comment: The ROBO3 c.2801delC variant is predicted to result in a frameshift and premature protein termination (p.Ala934Glufs*70). To our knowledge, this variant has not been reported in the literature or in a large population database, indicating this variant is rare. Frameshift variants in ROBO3 are expected to be pathogenic. Therefore we interpret c.2801del (p.Ala934Glufs*70) as likely pathogenic.

NM_022370.4(ROBO3):c.2801del (p.Ala934fs)

Gene: ROBO3 (roundabout guidance receptor 3; plus strand). Cytogenetic location: 11q24.2.
Variant type: Deletion.
Coding change: c.2801del on transcript NM_022370.4 (MANE Select); coding-DNA position 2801, one base deleted (C; older notation c.2801delC).
Protein change: p.Ala934fs; shifts the reading frame from alanine 934.
Molecular consequence: frameshift variant. On other transcripts: 5 prime UTR variant (4), non-coding transcript variant (4), intron variant (3).
Genome position (GRCh38, 1-based): chr11:124,877,182, C deleted. VCF-style (leftmost placement, unchanged base first): chr11-124877181-GC-G. GRCh37 (hg19) VCF-style: chr11-124747077-GC-G.
Other names: c.-53del (NM_001370356.1, NM_001370357.1, NM_001370364.1); c.-10del (NM_001370358.1); c.-50-85del (NM_001370359.1, NM_001370366.1); c.-8+250del (NM_001370361.1); short protein forms A934fs.
Identifiers: ClinVar variation 2636518 (VCV002636518.1), dbSNP rs2497303304, ClinGen allele CA2695199042.